The following is an entry in ClinVar:

ClinVar aggregate classification (germline): Uncertain significance (1 of 4 stars; one submission).

Conditions:
Congenital myasthenic syndrome 12 (CMS12). Also called: Myasthenia, congenital, 12, with tubular aggregates; MYASTHENIC SYNDROME, CONGENITAL, WITH TUBULAR AGGREGATES 1. Identifiers: Orphanet 353327, Orphanet 590, MedGen C3552335, MONDO:0012518, OMIM 610542.

Submission:

Labcorp Genetics (formerly Invitae), Labcorp
Classification: Uncertain significance for Congenital myasthenic syndrome 12. Last evaluated: 2025-01-13. Review status: criteria provided, single submitter. Criteria: Invitae Variant Classification Sherloc (09022015). Collection method: clinical testing. Allele origin: germline.
Comment: This sequence change replaces glutamic acid, which is acidic and polar, with glycine, which is neutral and non-polar, at codon 269 of the GFPT1 protein (p.Glu269Gly). This variant is not present in population databases (gnomAD no frequency). This variant has not been reported in the literature in individuals affected with GFPT1-related conditions. ClinVar contains an entry for this variant (Variation ID: 1509930). An algorithm developed to predict the effect of missense changes on protein structure and function (PolyPhen-2) suggests that this variant is likely to be tolerated. In summary, the available evidence is currently insufficient to determine the role of this variant in disease. Therefore, it has been classified as a Variant of Uncertain Significance.

NM_001244710.2(GFPT1):c.806A>G (p.Glu269Gly)

Gene: GFPT1 (glutamine--fructose-6-phosphate transaminase 1; minus strand). Cytogenetic location: 2p13.3.
Variant type: single nucleotide variant.
Coding change: c.806A>G on transcript NM_001244710.2 (MANE Select); coding-DNA position 806, A replaced by G.
Protein change: p.Glu269Gly; replaces glutamic acid 269 with glycine.
Molecular consequence: missense variant.
Genome position (GRCh38, 1-based): chr2:69,350,117, T>C on the plus strand (A>G on the coding strand, the complement: GFPT1 is on the minus strand). VCF-style: chr2-69350117-T-C. GRCh37 (hg19) VCF-style: chr2-69577249-T-C.
Other names: c.752A>G, p.Glu251Gly (NM_002056.4); short protein forms E269G, E251G.
Identifiers: ClinVar variation 1509930 (VCV001509930.6), dbSNP rs2104639027, ClinGen allele CA347128692.